The following is an entry in ClinVar:

ClinVar aggregate classification (germline): Likely benign (0 of 4 stars; one submission).

Conditions:
PIKFYVE-related disorder. Also called: PIKFYVE-related condition.

Allele frequency attached by ClinVar (database versions not stated): gnomAD exomes 0.00001.
gnomAD v4.1: 19 of 1,614,160 alleles (0.0012%); highest among the groups gnomAD compares: Non-Finnish European, 0.0014%; no homozygotes.

Submission:

PreventionGenetics, part of Exact Sciences
Classification: Likely benign for PIKFYVE-related condition. Last evaluated: 2020-02-26. Review status: no assertion criteria provided. Collection method: clinical testing. Allele origin: germline.
Comment: This variant is classified as likely benign based on ACMG/AMP sequence variant interpretation guidelines (Richards et al. 2015 PMID: 25741868, with internal and published modifications).

NM_015040.4(PIKFYVE):c.1917A>G (p.Ser639=)

Gene: PIKFYVE (phosphoinositide kinase, FYVE-type zinc finger containing; plus strand). Cytogenetic location: 2q34.
Variant type: single nucleotide variant.
Coding change: c.1917A>G on transcript NM_015040.4 (MANE Select); coding-DNA position 1917, A replaced by G.
Protein change: p.Ser639=; no amino-acid change (serine 639 retained).
Molecular consequence: synonymous variant.
Genome position (GRCh38, 1-based): chr2:208,315,283, A>G. VCF-style: chr2-208315283-A-G. GRCh37 (hg19) VCF-style: chr2-209180007-A-G.
Identifiers: ClinVar variation 3051607 (VCV003051607.2), dbSNP rs1443328782, ClinGen allele CA430977024.